The following is an entry in ClinVar:

NM_001113378.2(FANCI):c.473A>T (p.Lys158Ile)

Gene: FANCI (FA complementation group I; plus strand). Cytogenetic location: 15q26.1.
Variant type: single nucleotide variant.
Coding change: c.473A>T on transcript NM_001113378.2 (MANE Select); coding-DNA position 473, A replaced by T.
Protein change: p.Lys158Ile; replaces lysine 158 with isoleucine.
Molecular consequence: missense variant.
Genome position (GRCh38, 1-based): chr15:89,261,848, A>T. VCF-style: chr15-89261848-A-T. GRCh37 (hg19) VCF-style: chr15-89805079-A-T.
Other names: c.194A>T, p.Lys65Ile (NM_001376910.1); c.473A>T, p.Lys158Ile (NM_001376911.1, NM_018193.3); short protein forms K158I, K65I.
Identifiers: ClinVar variation 2082958 (VCV002082958.4), dbSNP rs2505911623, ClinGen allele CA393738556.

ClinVar aggregate classification (germline): Uncertain significance (1 of 4 stars; one submission).

Conditions:
Fanconi anemia (FA). Also called: Fanconi's anemia. Identifiers: Orphanet 84, MedGen C0015625, MeSH D005199, MONDO:0019391.

Submission:

Labcorp Genetics (formerly Invitae), Labcorp
Classification: Uncertain significance for Fanconi anemia. Last evaluated: 2022-03-03. Review status: criteria provided, single submitter. Criteria: Invitae Variant Classification Sherloc (09022015). Collection method: clinical testing. Allele origin: germline.
Comment: In summary, the available evidence is currently insufficient to determine the role of this variant in disease. Therefore, it has been classified as a Variant of Uncertain Significance. Algorithms developed to predict the effect of missense changes on protein structure and function are either unavailable or do not agree on the potential impact of this missense change (SIFT: "Deleterious"; PolyPhen-2: "Possibly Damaging"; Align-GVGD: "Class C0"). This variant has not been reported in the literature in individuals affected with FANCI-related conditions. This variant is not present in population databases (gnomAD no frequency). This sequence change replaces lysine, which is basic and polar, with isoleucine, which is neutral and non-polar, at codon 158 of the FANCI protein (p.Lys158Ile).